The following is an entry in ClinVar:

ClinVar aggregate classification (germline): Uncertain significance (1 of 4 stars; one submission).

Submission:

Labcorp Genetics (formerly Invitae), Labcorp
Classification: Uncertain significance. Last evaluated: 2024-06-17. Review status: criteria provided, single submitter. Criteria: Invitae Variant Classification Sherloc (09022015). Collection method: clinical testing. Allele origin: germline.
Comment: This sequence change replaces proline, which is neutral and non-polar, with leucine, which is neutral and non-polar, at codon 602 of the COL27A1 protein (p.Pro602Leu). This variant is not present in population databases (gnomAD no frequency). This variant has not been reported in the literature in individuals affected with COL27A1-related conditions. ClinVar contains an entry for this variant (Variation ID: 2052645). Advanced modeling of protein sequence and biophysical properties (such as structural, functional, and spatial information, amino acid conservation, physicochemical variation, residue mobility, and thermodynamic stability) performed at Invitae indicates that this missense variant is not expected to disrupt COL27A1 protein function with a negative predictive value of 80%. In summary, the available evidence is currently insufficient to determine the role of this variant in disease. Therefore, it has been classified as a Variant of Uncertain Significance.

NM_032888.4(COL27A1):c.1805C>T (p.Pro602Leu)

Gene: COL27A1 (collagen type XXVII alpha 1 chain; plus strand). Cytogenetic location: 9q32.
Variant type: single nucleotide variant.
Coding change: c.1805C>T on transcript NM_032888.4 (MANE Select); coding-DNA position 1805, C replaced by T.
Protein change: p.Pro602Leu; replaces proline 602 with leucine.
Molecular consequence: missense variant.
Genome position (GRCh38, 1-based): chr9:114,169,360, C>T. VCF-style: chr9-114169360-C-T. GRCh37 (hg19) VCF-style: chr9-116931640-C-T.
Other names: short protein forms P602L.
Identifiers: ClinVar variation 2052645 (VCV002052645.4), dbSNP rs2490580892, ClinGen allele CA374595503.